The following is an entry in ClinVar:

NM_203447.4(DOCK8):c.1286-5T>A

Gene: DOCK8 (dedicator of cytokinesis 8; plus strand). Cytogenetic location: 9p24.3.
Variant type: single nucleotide variant.
Coding change: c.1286-5T>A on transcript NM_203447.4 (MANE Select); 5 bases into the intron before coding-DNA position 1286, T replaced by A.
Molecular consequence: intron variant.
Genome position (GRCh38, 1-based): chr9:336,577, T>A. VCF-style: chr9-336577-T-A. GRCh37 (hg19) VCF-style: chr9-336577-T-A.
Other names: c.1082-5T>A (NM_001193536.2, NM_001190458.2).
Identifiers: ClinVar variation 536599 (VCV000536599.8), dbSNP rs199940668, ClinGen allele CA4957686.

ClinVar aggregate classification (germline): Uncertain significance (1 of 4 stars; one submission).

Conditions:
Combined immunodeficiency due to DOCK8 deficiency (HIES2). Also called: HIES autosomal recessive; HYPER-IgE RECURRENT INFECTION SYNDROME 2, AUTOSOMAL RECESSIVE; Hyper-IgE recurrent infection syndrome, autosomal recessive; HYPER-IgE SYNDROME 2, AUTOSOMAL RECESSIVE, WITH RECURRENT INFECTIONS; DOCK8 Deficiency. Identifiers: Orphanet 217390, MedGen C4722305, MONDO:0009478, OMIM 243700.

Allele frequency attached by ClinVar (database versions not stated): gnomAD 0.00001; gnomAD exomes 0.00001 and 0.00003; ExAC 0.00002; TOPMed 0.00002.
gnomAD v4.1: 57 of 1,614,060 alleles (0.0035%); highest among the groups gnomAD compares: Non-Finnish European, 0.0042%; no homozygotes.

Submission:

Labcorp Genetics (formerly Invitae), Labcorp
Classification: Uncertain significance for Combined immunodeficiency due to DOCK8 deficiency. Last evaluated: 2022-08-23. Review status: criteria provided, single submitter. Criteria: Invitae Variant Classification Sherloc (09022015). Collection method: clinical testing. Allele origin: germline.
Comment: This sequence change falls in intron 11 of the DOCK8 gene. It does not directly change the encoded amino acid sequence of the DOCK8 protein. This variant is present in population databases (rs199940668, gnomAD 0.002%). This variant has not been reported in the literature in individuals affected with DOCK8-related conditions. ClinVar contains an entry for this variant (Variation ID: 536599). Algorithms developed to predict the effect of sequence changes on RNA splicing suggest that this variant may disrupt the consensus splice site. In summary, the available evidence is currently insufficient to determine the role of this variant in disease. Therefore, it has been classified as a Variant of Uncertain Significance.